The following is an entry in ClinVar:

ClinVar aggregate classification (germline): Uncertain significance (1 of 4 stars; one submission).

Allele frequency attached by ClinVar (database versions not stated): TOPMed 0.00002; gnomAD 0.00006; gnomAD exomes 0.00008; ExAC 0.00013.
gnomAD v4.1: 128 of 1,613,312 alleles (0.0079%); highest among the groups gnomAD compares: South Asian, 0.12%; 1 homozygote.

Submission:

Labcorp Genetics (formerly Invitae), Labcorp
Classification: Uncertain significance. Last evaluated: 2023-12-30. Review status: criteria provided, single submitter. Criteria: Invitae Variant Classification Sherloc (09022015). Collection method: clinical testing. Allele origin: germline.
Comment: This sequence change replaces proline, which is neutral and non-polar, with threonine, which is neutral and polar, at codon 1531 of the PTPN23 protein (p.Pro1531Thr). This variant is present in population databases (rs776879244, gnomAD 0.1%). This variant has not been reported in the literature in individuals affected with PTPN23-related conditions. Algorithms developed to predict the effect of missense changes on protein structure and function output the following: SIFT: "Not Available"; PolyPhen-2: "Not Available"; Align-GVGD: "Not Available". The threonine amino acid residue is found in multiple mammalian species, which suggests that this missense change does not adversely affect protein function. In summary, the available evidence is currently insufficient to determine the role of this variant in disease. Therefore, it has been classified as a Variant of Uncertain Significance.

NM_015466.4(PTPN23):c.4591C>A (p.Pro1531Thr)

Gene: PTPN23 (protein tyrosine phosphatase non-receptor type 23; plus strand). Cytogenetic location: 3p21.31.
Variant type: single nucleotide variant.
Coding change: c.4591C>A on transcript NM_015466.4 (MANE Select); coding-DNA position 4591, C replaced by A.
Protein change: p.Pro1531Thr; replaces proline 1531 with threonine.
Molecular consequence: missense variant.
Genome position (GRCh38, 1-based): chr3:47,412,865, C>A. VCF-style: chr3-47412865-C-A. GRCh37 (hg19) VCF-style: chr3-47454355-C-A.
Other names: c.4213C>A, p.Pro1405Thr (NM_001304482.2); short protein forms P1531T, P1405T.
Identifiers: ClinVar variation 2720005 (VCV002720005.1), dbSNP rs776879244, ClinGen allele CA2366641.